The following is an entry in ClinVar:

NM_000136.3(FANCC):c.904C>T (p.Leu302Phe)

Genes: AOPEP (aminopeptidase O (putative); plus strand), FANCC (FA complementation group C; minus strand). Cytogenetic location: 9q22.32.
Variant type: single nucleotide variant.
Coding change: c.904C>T on transcript NM_000136.3 (MANE Select); coding-DNA position 904, C replaced by T.
Protein change: p.Leu302Phe; replaces leucine 302 with phenylalanine.
Molecular consequence: missense variant.
Genome position (GRCh38, 1-based): chr9:95,125,178, G>A on the plus strand (C>T on the coding strand, the complement: FANCC is on the minus strand). VCF-style: chr9-95125178-G-A. GRCh37 (hg19) VCF-style: chr9-97887460-G-A.
Other names: c.904C>T, p.Leu302Phe (NM_001243743.2, NM_001243744.2); short protein forms L302F.
Identifiers: ClinVar variation 2562118 (VCV002562118.3), dbSNP rs1346590576, ClinGen allele CA374109023.

ClinVar aggregate classification (germline): Uncertain significance (1 of 4 stars; one submission).

Conditions:
Hereditary cancer-predisposing syndrome. Also called: Neoplastic Syndromes, Hereditary; Hereditary Cancer Syndrome; Hereditary neoplastic syndrome; Tumor predisposition. Identifiers: Orphanet 140162, MedGen C0027672, MeSH D009386, MONDO:0015356.

Allele frequency attached by ClinVar (database versions not stated): gnomAD exomes below 0.00001; gnomAD 0.00001.
gnomAD v4.1: 2 of 1,613,706 alleles (0.00012%); highest among the groups gnomAD compares: Non-Finnish European, 0.00017%; no homozygotes.

Submission:

Ambry Genetics
Classification: Uncertain significance for Hereditary cancer-predisposing syndrome. Last evaluated: 2025-10-06. Review status: criteria provided, single submitter. Criteria: Ambry Variant Classification Scheme 2023. Collection method: clinical testing. Allele origin: germline.
Comment: The p.L302F variant (also known as c.904C>T), located in coding exon 9 of the FANCC gene, results from a C to T substitution at nucleotide position 904. The leucine at codon 302 is replaced by phenylalanine, an amino acid with highly similar properties. This amino acid position is highly conserved in available vertebrate species. In addition, this alteration is predicted to be tolerated by in silico analysis. Since supporting evidence is limited at this time, the clinical significance of this alteration remains unclear.